The following is an entry in ClinVar:

ClinVar aggregate classification (germline): Uncertain significance (1 of 4 stars; one submission).

Allele frequency attached by ClinVar (database versions not stated): gnomAD exomes below 0.00001 and 0.00001; ExAC 0.00001.
gnomAD v4.1: 14 of 1,613,428 alleles (0.00087%); highest among the groups gnomAD compares: South Asian, 0.0022%; no homozygotes.

Submission:

Labcorp Genetics (formerly Invitae), Labcorp
Classification: Uncertain significance. Last evaluated: 2021-12-02. Review status: criteria provided, single submitter. Criteria: Invitae Variant Classification Sherloc (09022015). Collection method: clinical testing. Allele origin: germline.
Comment: This sequence change replaces valine, which is neutral and non-polar, with isoleucine, which is neutral and non-polar, at codon 210 of the LRPPRC protein (p.Val210Ile). This variant is present in population databases (rs770423158, gnomAD 0.003%). This variant has not been reported in the literature in individuals affected with LRPPRC-related conditions. Algorithms developed to predict the effect of missense changes on protein structure and function (SIFT, PolyPhen-2, Align-GVGD) all suggest that this variant is likely to be tolerated. In summary, the available evidence is currently insufficient to determine the role of this variant in disease. Therefore, it has been classified as a Variant of Uncertain Significance.

NM_133259.4(LRPPRC):c.628G>A (p.Val210Ile)

Gene: LRPPRC (leucine rich pentatricopeptide repeat containing; minus strand). Cytogenetic location: 2p21.
Variant type: single nucleotide variant.
Coding change: c.628G>A on transcript NM_133259.4 (MANE Select); coding-DNA position 628, G replaced by A.
Protein change: p.Val210Ile; replaces valine 210 with isoleucine.
Molecular consequence: missense variant.
Genome position (GRCh38, 1-based): chr2:43,977,016, C>T on the plus strand (G>A on the coding strand, the complement: LRPPRC is on the minus strand). VCF-style: chr2-43977016-C-T. GRCh37 (hg19) VCF-style: chr2-44204155-C-T.
Other names: short protein forms V210I.
Identifiers: ClinVar variation 1348146 (VCV001348146.3), dbSNP rs770423158, ClinGen allele CA1639283.